The following is an entry in ClinVar:

ClinVar aggregate classification (germline): Uncertain significance. Review status: criteria provided, multiple submitters, no conflicts (2 of 4 stars). 4 submissions from 4 submitters: Uncertain significance (3). 1 of the submissions does not count toward it. Last evaluated 2023-09-06.

Conditions:
Hyperinsulinemic hypoglycemia, familial, 1 (HHF1). Also called: NESIDIOBLASTOSIS OF PANCREAS; Persistent hyperinsulinemic hypoglycemia of infancy; Persistent Hyperinsulinemia Hypoglycemia of Infancy; HYPERINSULINISM, FAMILIAL, WITH PANCREATIC NESIDIOBLASTOSIS; HYPOGLYCEMIA, HYPERINSULINEMIC, OF INFANCY. Identifiers: Orphanet 276575, Orphanet 276598, MedGen C2931832, MONDO:0009734, OMIM 256450.

Allele frequency attached by ClinVar (database versions not stated): TOPMed below 0.00001; gnomAD 0.00001; gnomAD exomes 0.00001.
gnomAD v4.1: 8 of 1,614,012 alleles (0.0005%); highest among the groups gnomAD compares: Non-Finnish European, 0.00068%; no homozygotes.

Submissions (4):

Women's Health and Genetics/Laboratory Corporation of America, LabCorp
Classification: Uncertain significance. Last evaluated: 2023-09-06. Review status: criteria provided, single submitter. Criteria: LabCorp Variant Classification Summary - May 2015. Collection method: clinical testing. Allele origin: germline.
Comment: Variant summary: ABCC8 c.1532T>C (p.Leu511Pro) results in a non-conservative amino acid change located in the ABC transporter type 1, transmembrane domain (IPR011527) of the encoded protein sequence. Five of five in-silico tools predict a damaging effect of the variant on protein function. The variant allele was found at a frequency of 3.2e-05 in 31388 control chromosomes. The available data on variant occurrences in the general population are insufficient to allow any conclusion about variant significance. c.1532T>C has been reported in the literature in individuals affected with Familial Hyperinsulinism (Li_2017). This report does not provide unequivocal conclusions about association of the variant with Familial Hyperinsulinism. To our knowledge, no experimental evidence demonstrating an impact on protein function has been reported. The following publication has been ascertained in the context of this evaluation (PMID: 28442472). Two submitters have cited clinical-significance assessments for this variant to ClinVar after 2014. All submitters classified the variant as uncertain significance. Based on the evidence outlined above, the variant was classified as uncertain significance.

Broad Center for Mendelian Genomics, Broad Institute of MIT and Harvard
Classification: Uncertain significance for Hyperinsulinemic hypoglycemia, familial, 1. Last evaluated: 2023-08-16. Review status: criteria provided, single submitter. Criteria: ACMG Guidelines, 2015. Collection method: curation. Allele origin: germline. Inheritance: Autosomal recessive inheritance.
Comment: The p.Leu511Pro variant in ABCC8 has been previously reported in 1 individual, with hyperinsulinemic hypoglycemia (PMID: 28442472), and has been seen in 0.006% (1/15422) of European (non-Finnish) chromosomes by the Genome Aggregation Database (gnomAD; dbSNP: rs797045206). Although this variant has been seen in the general population in a heterozygous state, its frequency is low enough to be consistent with a recessive carrier frequency. This variant has also been reported in ClinVar (Variation ID: 210069) and has been interpreted as likely pathogenic by Genetic Services Laboratory (University of Chicago). Computational prediction tools and conservation analyses suggest that this variant may impact the protein, though this information is not predictive enough to determine pathogenicity. In summary, the clinical significance of the p.Leu511Pro variant is uncertain. ACMG/AMP Criteria applied: PM2_supporting, PP3 (Richards 2015).

Labcorp Genetics (formerly Invitae), Labcorp
Classification: Uncertain significance. Last evaluated: 2022-10-13. Review status: criteria provided, single submitter. Criteria: Invitae Variant Classification Sherloc (09022015). Collection method: clinical testing. Allele origin: germline.
Comment: This sequence change replaces leucine, which is neutral and non-polar, with proline, which is neutral and non-polar, at codon 511 of the ABCC8 protein (p.Leu511Pro). This variant is present in population databases (rs797045206, gnomAD 0.007%). This missense change has been observed in individual(s) with autosomal recessive congenital hyperinsulinism (PMID: 28442472). ClinVar contains an entry for this variant (Variation ID: 210069). Advanced modeling of protein sequence and biophysical properties (such as structural, functional, and spatial information, amino acid conservation, physicochemical variation, residue mobility, and thermodynamic stability) performed at Invitae indicates that this missense variant is expected to disrupt ABCC8 protein function. In summary, the available evidence is currently insufficient to determine the role of this variant in disease. Therefore, it has been classified as a Variant of Uncertain Significance.

Genetic Services Laboratory, University of Chicago
Classification: Likely pathogenic for Hyperinsulinemic hypoglycemia, familial, 1. Last evaluated: 2014-06-11. Review status: flagged submission. Criteria: ACMG Guidelines, 2015. Collection method: clinical testing. Allele origin: germline. Affected: yes. Not counted in ClinVar's aggregate classification.
ClinVar note: Reason: Outlier claim with insufficient supporting evidence

Literature cited by the submitters: PubMed 28442472 (cited by Women's Health and Genetics/Laboratory Corporation of America, LabCorp and Labcorp Genetics (formerly Invitae), Labcorp).

NM_000352.6(ABCC8):c.1532T>C (p.Leu511Pro)

Gene: ABCC8 (ATP binding cassette subfamily C member 8; minus strand). Cytogenetic location: 11p15.1.
Variant type: single nucleotide variant.
Coding change: c.1532T>C on transcript NM_000352.6 (MANE Select); coding-DNA position 1532, T replaced by C.
Protein change: p.Leu511Pro; replaces leucine 511 with proline.
Molecular consequence: missense variant. On other transcripts: non-coding transcript variant (1).
Genome position (GRCh38, 1-based): chr11:17,442,818, A>G on the plus strand (T>C on the coding strand, the complement: ABCC8 is on the minus strand). VCF-style: chr11-17442818-A-G. GRCh37 (hg19) VCF-style: chr11-17464365-A-G.
Other names: NM_000352.6(ABCC8):c.1532T>C; p.Leu511Pro; c.1532T>C, p.Leu511Pro (NM_001287174.3, NM_001351295.2); c.1529T>C, p.Leu510Pro (NM_001351296.2, NM_001351297.2); c.1532T>C (NM_000352.4); short protein forms L511P, L510P.
Identifiers: ClinVar variation 210069 (VCV000210069.9), dbSNP rs797045206, ClinGen allele CA277373.